The following is an entry in ClinVar:

NM_001032283.3(TMPO):c.176G>T (p.Ser59Ile)

Genes: TMPO (thymopoietin; plus strand), TMPO-AS1 (TMPO antisense RNA 1; minus strand). Cytogenetic location: 12q23.1.
Variant type: single nucleotide variant.
Coding change: c.176G>T on transcript NM_001032283.3 (MANE Select); coding-DNA position 176, G replaced by T.
Protein change: p.Ser59Ile; replaces serine 59 with isoleucine.
Molecular consequence: missense variant. On other transcripts: non-coding transcript variant (1).
Genome position (GRCh38, 1-based): chr12:98,516,043, G>T. VCF-style: chr12-98516043-G-T. GRCh37 (hg19) VCF-style: chr12-98909821-G-T.
Other names: c.176G>T, p.Ser59Ile (NM_001032284.3, NM_001307975.2, NM_003276.2); short protein forms S59I.
Identifiers: ClinVar variation 1779769 (VCV001779769.2), dbSNP rs987636941, ClinGen allele CA242826919.
Genomic context (GRCh38, chr12:98,516,043, plus strand): 5'-AGCTCTACCTGCAGCACCTCACGGCTCGCAACCGGCCGCCGCTCCCCGCCGGCACCAACA[G>T]CAAGGGGCCCCCGGACTTCTCCAGTGACGAAGAGCGCGAGCCCACCCCGGTCCTCGGCTC-3'
Protein context (NP_001027454.1, residues 49-69): NRPPLPAGTN[Ser59Ile]KGPPDFSSDE

ClinVar aggregate classification (germline): Uncertain significance (1 of 4 stars; one submission).

Submission:

Ambry Genetics
Classification: Uncertain significance. Last evaluated: 2021-08-19. Review status: criteria provided, single submitter. Criteria: Ambry Variant Classification Scheme 2023. Collection method: clinical testing. Allele origin: germline.
Comment: The p.S59I variant (also known as c.176G>T), located in coding exon 1 of the TMPO gene, results from a G to T substitution at nucleotide position 176. The serine at codon 59 is replaced by isoleucine, an amino acid with dissimilar properties. This amino acid position is conserved. In addition, this alteration is predicted to be tolerated by in silico analysis. Since supporting evidence is limited at this time, the clinical significance of this alteration remains unclear.